The following is an entry in ClinVar:

NM_001114753.3(ENG):c.1414C>T (p.Gln472Ter)

Genes: ENG (endoglin; minus strand), LOC102723566 (uncharacterized LOC102723566; plus strand). Cytogenetic location: 9q34.11.
Variant type: single nucleotide variant.
Coding change: c.1414C>T on transcript NM_001114753.3 (MANE Select); coding-DNA position 1414, C replaced by T.
Protein change: p.Gln472Ter; replaces glutamine 472 with a stop codon.
Molecular consequence: nonsense.
Genome position (GRCh38, 1-based): chr9:127,818,730, G>A on the plus strand (C>T on the coding strand, the complement: ENG is on the minus strand). VCF-style: chr9-127818730-G-A. GRCh37 (hg19) VCF-style: chr9-130581009-G-A.
Other names: c.1414C>T, p.Gln472Ter (NM_000118.4); c.868C>T, p.Gln290Ter (NM_001278138.2); c.1414C>T (NM_000118.2); short protein forms Q290*, Q472*.
Identifiers: ClinVar variation 2136816 (VCV002136816.6), dbSNP rs2539060865, ClinGen allele CA374976660.

ClinVar aggregate classification (germline): Pathogenic/Likely pathogenic. Review status: criteria provided, multiple submitters, no conflicts (2 of 4 stars). 2 submissions from 2 submitters: Pathogenic (1); Likely pathogenic (1). Last evaluated 2025-12-23.

Conditions:
Hereditary hemorrhagic telangiectasia (HHT). Also called: ORW DISEASE; Osler Weber Rendu syndrome; OSLER-RENDU-WEBER DISEASE; Osler hemorrhagic telangiectasia syndrome. Identifiers: Orphanet 774, MedGen C0039445, MONDO:0019180. Disease mechanism: loss of function.

Allele frequency attached by ClinVar (database versions not stated): gnomAD exomes below 0.00001.
gnomAD v4.1: 1 of 1,614,120 alleles (0.000062%); highest among the groups gnomAD compares: Non-Finnish European, 0.000085%; no homozygotes.

Submissions (2):

GeneDx
Classification: Likely pathogenic. Last evaluated: 2025-12-23. Review status: criteria provided, single submitter. Criteria: GeneDx Variant Classification Process June 2021. Collection method: clinical testing. Allele origin: germline.
Comment: Has been reported in individuals with HHT (PMID: 8595426, 32300199); Not observed at significant frequency in large population cohorts (gnomAD); Nonsense variant predicted to result in protein truncation or nonsense mediated decay in a gene for which loss of function is a known mechanism of disease; This variant is associated with the following publications: (PMID: 25525159, 8595426, 32300199)

Labcorp Genetics (formerly Invitae), Labcorp
Classification: Pathogenic for Hereditary hemorrhagic telangiectasia. Last evaluated: 2024-06-04. Review status: criteria provided, single submitter. Criteria: Invitae Variant Classification Sherloc (09022015). Collection method: clinical testing. Allele origin: germline.
Comment: This sequence change creates a premature translational stop signal (p.Gln472*) in the ENG gene. It is expected to result in an absent or disrupted protein product. Loss-of-function variants in ENG are known to be pathogenic (PMID: 15879500). This variant is not present in population databases (gnomAD no frequency). This premature translational stop signal has been observed in individual(s) with hereditary hemorrhagic telangiectasia (PMID: 8595426, 32300199). It has also been observed to segregate with disease in related individuals. ClinVar contains an entry for this variant (Variation ID: 2136816). For these reasons, this variant has been classified as Pathogenic.

Literature cited by the submitters: PubMed 15879500 (cited by Labcorp Genetics (formerly Invitae), Labcorp); PubMed 8595426 (cited by Labcorp Genetics (formerly Invitae), Labcorp); PubMed 32300199 (cited by Labcorp Genetics (formerly Invitae), Labcorp).